The following is an entry in ClinVar:

ClinVar aggregate classification (germline): Uncertain significance (1 of 4 stars; one submission).

Conditions:
Immunodeficiency, common variable, 2 (CVID2). Also called: ANTIBODY DEFICIENCY DUE TO TACI DEFECT; HYPOGAMMAGLOBULINEMIA DUE TO TACI DEFICIENCY. Identifiers: Orphanet 1572, MedGen C3150354, MONDO:0009413, OMIM 240500.

Allele frequency attached by ClinVar (database versions not stated): gnomAD exomes 0.00001; ExAC 0.00002; TOPMed 0.00001; ESP Exome Variant Server 0.00008.
gnomAD v4.1: 15 of 1,614,096 alleles (0.00093%); highest among the groups gnomAD compares: South Asian, 0.0033%; no homozygotes.

Submission:

Labcorp Genetics (formerly Invitae), Labcorp
Classification: Uncertain significance for Immunodeficiency, common variable, 2. Last evaluated: 2025-07-27. Review status: criteria provided, single submitter. Criteria: Invitae Variant Classification Sherloc (09022015). Collection method: clinical testing. Allele origin: germline.
Comment: This sequence change replaces glutamic acid, which is acidic and polar, with lysine, which is basic and polar, at codon 36 of the TNFRSF13B protein (p.Glu36Lys). This variant is present in population databases (rs143099385, gnomAD 0.002%). This variant has not been reported in the literature in individuals affected with TNFRSF13B-related conditions. ClinVar contains an entry for this variant (Variation ID: 2736453). Invitae Evidence Modeling of protein sequence and biophysical properties (such as structural, functional, and spatial information, amino acid conservation, physicochemical variation, residue mobility, and thermodynamic stability) indicates that this missense variant is not expected to disrupt TNFRSF13B protein function with a negative predictive value of 95%. Algorithms developed to predict the effect of sequence changes on RNA splicing suggest that this variant may disrupt the consensus splice site. In summary, the available evidence is currently insufficient to determine the role of this variant in disease. Therefore, it has been classified as a Variant of Uncertain Significance.

NM_012452.3(TNFRSF13B):c.106G>A (p.Glu36Lys)

Gene: TNFRSF13B (TNF receptor superfamily member 13B; minus strand). Cytogenetic location: 17p11.2.
Variant type: single nucleotide variant.
Coding change: c.106G>A on transcript NM_012452.3 (MANE Select); coding-DNA position 106, G replaced by A.
Protein change: p.Glu36Lys; replaces glutamic acid 36 with lysine.
Molecular consequence: missense variant.
Genome position (GRCh38, 1-based): chr17:16,952,539, C>T on the plus strand (G>A on the coding strand, the complement: TNFRSF13B is on the minus strand). VCF-style: chr17-16952539-C-T. GRCh37 (hg19) VCF-style: chr17-16855853-C-T.
Other names: short protein forms E36K.
Identifiers: ClinVar variation 2736453 (VCV002736453.3), dbSNP rs143099385, ClinGen allele CA8414114.